The following is an entry in ClinVar:

ClinVar aggregate classification (germline): Uncertain significance. Review status: criteria provided, multiple submitters, no conflicts (2 of 4 stars). 3 submissions from 3 submitters: Uncertain significance (3). Last evaluated 2025-04-03.

Conditions:
Neuronal ceroid lipofuscinosis. Also called: Neuronal Ceroid Lipofuscinoses. Identifiers: Orphanet 216, Orphanet 79263, MedGen C0027877, MONDO:0016295. Disease mechanism: loss of function.
Inborn genetic diseases. Identifiers: MedGen C0950123, MeSH D030342.

Allele frequency attached by ClinVar (database versions not stated): gnomAD exomes below 0.00001; gnomAD 0.00003 and 0.00004; TOPMed 0.00005.
gnomAD v4.1: 11 of 1,613,930 alleles (0.00068%); highest among the groups gnomAD compares: African/African-American, 0.0067%; no homozygotes.

Submissions (3):

Ambry Genetics
Classification: Uncertain significance for Inborn genetic diseases. Last evaluated: 2025-04-03. Review status: criteria provided, single submitter. Criteria: Ambry Variant Classification Scheme 2023. Collection method: clinical testing. Allele origin: germline.

Labcorp Genetics (formerly Invitae), Labcorp
Classification: Uncertain significance for Neuronal ceroid lipofuscinosis. Last evaluated: 2022-07-12. Review status: criteria provided, single submitter. Criteria: Invitae Variant Classification Sherloc (09022015). Collection method: clinical testing. Allele origin: germline.
Comment: This sequence change replaces aspartic acid, which is acidic and polar, with asparagine, which is neutral and polar, at codon 126 of the CTSD protein (p.Asp126Asn). This variant is present in population databases (rs796052401, gnomAD 0.01%). This variant has not been reported in the literature in individuals affected with CTSD-related conditions. ClinVar contains an entry for this variant (Variation ID: 205351). Algorithms developed to predict the effect of missense changes on protein structure and function (SIFT, PolyPhen-2, Align-GVGD) all suggest that this variant is likely to be tolerated. In summary, the available evidence is currently insufficient to determine the role of this variant in disease. Therefore, it has been classified as a Variant of Uncertain Significance.

GeneDx
Classification: Uncertain significance. Last evaluated: 2016-08-05. Review status: criteria provided, single submitter. Criteria: GeneDx Variant Classification (06012015). Collection method: clinical testing. Allele origin: germline. Affected: yes.
Comment: The D126N variant has not been published as a pathogenic variant, nor has it been reported as a benign variant to our knowledge. It was not observed in approximately 6,500 individuals of European and African American ancestry in the NHLBI Exome Sequencing Project, indicating it is not a common benign variant in these populations. The D126N variant is a semi-conservative amino acid substitution, which may impact secondary protein structure as these residues differ in some properties. However, this substitution occurs at a position that is not conserved, and in silico analysis is inconsistent in its predictions as to whether or not the variant is damaging to the protein structure/function.Therefore, based on the currently available information, it is unclear whether this variant is a pathogenic mutation or a rare benign variant.

NM_001909.5(CTSD):c.376G>A (p.Asp126Asn)

Gene: CTSD (cathepsin D; minus strand). Cytogenetic location: 11p15.5.
Variant type: single nucleotide variant.
Coding change: c.376G>A on transcript NM_001909.5 (MANE Select); coding-DNA position 376, G replaced by A.
Protein change: p.Asp126Asn; replaces aspartic acid 126 with asparagine.
Molecular consequence: missense variant.
Genome position (GRCh38, 1-based): chr11:1,759,064, C>T on the plus strand (G>A on the coding strand, the complement: CTSD is on the minus strand). VCF-style: chr11-1759064-C-T. GRCh37 (hg19) VCF-style: chr11-1780294-C-T.
Other names: p.D126N:GAC>AAC; short protein forms D126N.
Identifiers: ClinVar variation 205351 (VCV000205351.8), dbSNP rs796052401, ClinGen allele CA314344.